The following is an entry in ClinVar:

ClinVar aggregate classification (germline): Benign. Review status: criteria provided, multiple submitters, no conflicts (2 of 4 stars). 3 submissions from 3 submitters: Benign (2). 1 of the submissions does not count toward it. Last evaluated 2018-05-18.

Conditions:
ABCA2-related disorder. Also called: ABCA2-related condition.

Allele frequency attached by ClinVar (database versions not stated): gnomAD exomes 0.00066; ExAC 0.00131; ESP Exome Variant Server 0.00241; gnomAD 0.00281 and 0.00297; TOPMed 0.00319; 1000 Genomes Project 0.00339; 1000 Genomes Project 30x 0.00344.
gnomAD v4.1: 795 of 1,545,590 alleles (0.051%); highest among the groups gnomAD compares: African/African-American, 0.98%; 4 homozygotes.

Submissions (3):

Labcorp Genetics (formerly Invitae), Labcorp
Classification: Benign. Last evaluated: 2018-05-18. Review status: criteria provided, single submitter. Criteria: Invitae Variant Classification Sherloc (09022015). Collection method: clinical testing. Allele origin: germline.

Breakthrough Genomics
Classification: Benign. Review status: criteria provided, single submitter. Criteria: ACMG Guidelines, 2015. Collection method: not provided. Allele origin: germline. Inheritance: Autosomal recessive inheritance. Affected: yes.

PreventionGenetics, part of Exact Sciences
Classification: Benign for ABCA2-related condition. Last evaluated: 2019-09-24. Review status: no assertion criteria provided. Collection method: clinical testing. Allele origin: germline. Not counted in ClinVar's aggregate classification.
Comment: This variant is classified as benign based on ACMG/AMP sequence variant interpretation guidelines (Richards et al. 2015 PMID: 25741868, with internal and published modifications).

NM_001606.5(ABCA2):c.1091C>T (p.Ala364Val)

Gene: ABCA2 (ATP binding cassette subfamily A member 2; minus strand). Cytogenetic location: 9q34.3.
Variant type: single nucleotide variant.
Coding change: c.1091C>T on transcript NM_001606.5 (MANE Select); coding-DNA position 1091, C replaced by T.
Protein change: p.Ala364Val; replaces alanine 364 with valine.
Molecular consequence: missense variant.
Genome position (GRCh38, 1-based): chr9:137,020,868, G>A on the plus strand (C>T on the coding strand, the complement: ABCA2 is on the minus strand). VCF-style: chr9-137020868-G-A. GRCh37 (hg19) VCF-style: chr9-139915320-G-A.
Other names: c.1181C>T, p.Ala394Val (NM_212533.3); short protein forms A394V, A364V.
Identifiers: ClinVar variation 776478 (VCV000776478.6), dbSNP rs188491052, ClinGen allele CA5355592.
Genomic context (GRCh38, chr9:137,020,868, plus strand): 5'-TCAGCGGTGGCGTTGGGGCCCATGACTGCCCCTGCCCCAGTGCCATTGGCCGCCCCACCC[G>A]CACCACTGGCTGGGGGTCCGGGGGTCCGGCCAGTGCAGGCACCCTGGGGCAGTAGCAGGG-3'
Protein context (NP_001597.2, residues 354-374): GRTPGPPASG[Ala364Val]GGAANGTGAG